The following is an entry in ClinVar:

NM_000138.5(FBN1):c.1727G>A (p.Cys576Tyr)

Gene: FBN1 (fibrillin 1; minus strand). Cytogenetic location: 15q21.1.
Variant type: single nucleotide variant.
Coding change: c.1727G>A on transcript NM_000138.5 (MANE Select); coding-DNA position 1727, G replaced by A.
Protein change: p.Cys576Tyr; replaces cysteine 576 with tyrosine.
Molecular consequence: missense variant.
Genome position (GRCh38, 1-based): chr15:48,508,692, C>T on the plus strand (G>A on the coding strand, the complement: FBN1 is on the minus strand). VCF-style: chr15-48508692-C-T. GRCh37 (hg19) VCF-style: chr15-48800889-C-T.
Other names: short protein forms C576Y.
Identifiers: ClinVar variation 549038 (VCV000549038.11), dbSNP rs1555399974, ClinGen allele CA392340650.

ClinVar aggregate classification (germline): Pathogenic/Likely pathogenic. Review status: criteria provided, multiple submitters, no conflicts (2 of 4 stars). 4 submissions from 4 submitters: Pathogenic (2); Likely pathogenic (1). 1 of the submissions does not count toward it. Last evaluated 2024-07-19.

Conditions:
Marfan syndrome (MFS). Also called: Marfan syndrome type 1; Marfan syndrome, classic; Marfan's syndrome; FBN1-Related Marfan Syndrome; MARFAN SYNDROME, TYPE I. Identifiers: Orphanet 284963, Orphanet 558, MedGen C0024796, MONDO:0007947, OMIM 154700.
Marfan Syndrome/Loeys-Dietz Syndrome/Familial Thoracic Aortic Aneurysms and Dissections. Identifiers: MedGen CN229799.
Familial thoracic aortic aneurysm and aortic dissection (TAAD). Also called: Thoracic aortic aneurysms and dissections. Identifiers: Orphanet 91387, MedGen C4707243, MONDO:0019625.
FBN1-related disorder. Also called: FBN1-related disorders.

Submissions (4):

Blueprint Genetics
Classification: Likely pathogenic for FBN1-related disorders. Last evaluated: 2024-07-19. Review status: criteria provided, single submitter. Criteria: ACMG Guidelines, 2015. Collection method: clinical testing. Allele origin: germline. Affected: yes. Observed: 1 variant allele.

Labcorp Genetics (formerly Invitae), Labcorp
Classification: Pathogenic for Marfan syndrome; Familial thoracic aortic aneurysm and aortic dissection. Last evaluated: 2024-04-10. Review status: criteria provided, single submitter. Criteria: Invitae Variant Classification Sherloc (09022015). Collection method: clinical testing. Allele origin: germline.
Comment: This sequence change replaces cysteine, which is neutral and slightly polar, with tyrosine, which is neutral and polar, at codon 576 of the FBN1 protein (p.Cys576Tyr). This variant is not present in population databases (gnomAD no frequency). This missense change has been observed in individual(s) with Marfan syndrome (PMID: 18435798, 23684891). ClinVar contains an entry for this variant (Variation ID: 549038). Advanced modeling of protein sequence and biophysical properties (such as structural, functional, and spatial information, amino acid conservation, physicochemical variation, residue mobility, and thermodynamic stability) performed at Invitae indicates that this missense variant is expected to disrupt FBN1 protein function with a positive predictive value of 95%. This variant affects a cysteine residue in the EGF-like, TGFBP or hybrid motif domains of FBN1. Cysteine residues are believed to be involved in intramolecular disulfide bridges and have been shown to be important for FBN1 protein structure (PMID: 16905551, 19349279). In addition, missense substitutions affecting cysteine residues within these domains are significantly overrepresented among patients with Marfan syndrome (PMID: 16571647, 17701892). This variant disrupts the p.Cys576 amino acid residue in FBN1. Other variant(s) that disrupt this residue have been observed in individuals with FBN1-related conditions (PMID: 25652356), which suggests that this may be a clinically significant amino acid residue. For these reasons, this variant has been classified as Pathogenic.

Women's Health and Genetics/Laboratory Corporation of America, LabCorp
Classification: Pathogenic for Marfan Syndrome/Loeys-Dietz Syndrome/Familial Thoracic Aortic Aneurysms and Dissections. Last evaluated: 2023-06-12. Review status: criteria provided, single submitter. Criteria: LabCorp Variant Classification Summary - May 2015. Collection method: clinical testing. Allele origin: germline.
Comment: Variant summary: FBN1 c.1727G>A (p.Cys576Tyr) results in a non-conservative amino acid change located in the EGF-like domain (IPR000742) of the encoded protein sequence. The sulfhydryl group of cysteine is unique in its ability to participate in disulfide covalent cross-linkage. In fact, two-thirds of fibrillin cysteine residues exist in the half-cystinyl form, suggesting their participation in intramolecular disulfide linkage (Dietz_1992). Therefore, the substitution of a cysteine may disrupt the structure of the FBN1 protein, affecting its function. Five of five in-silico tools predict a damaging effect of the variant on protein function. The variant was absent in 251096 control chromosomes. c.1727G>A has been reported in the literature in individuals affected with and ecectopia lentis (reported as a de novo mutation) and Marfan Syndrome (Attanasio_2008, Chen_2022). These data indicate that the variant is likely to be associated with disease. To our knowledge, no experimental evidence demonstrating an impact on protein function has been reported. The following publications have been ascertained in the context of this evaluation (PMID: 18435798, 34281902). Two clinical diagnostic laboratories have submitted clinical-significance assessments for this variant to ClinVar after 2014, classifying the variant as pathogenic (n=1) or likely pathogenic (n=1). Based on the evidence outlined above, the variant was classified as pathogenic.

Center for Medical Genetics Ghent, University of Ghent
Classification: Likely pathogenic for Marfan syndrome. Last evaluated: 2017-11-07. Review status: no assertion criteria provided. Collection method: clinical testing. Allele origin: germline. Affected: yes. Not counted in ClinVar's aggregate classification.

Literature cited by the submitters: PubMed 18435798 (cited by Labcorp Genetics (formerly Invitae), Labcorp and Women's Health and Genetics/Laboratory Corporation of America, LabCorp); PubMed 23684891 (cited by Labcorp Genetics (formerly Invitae), Labcorp); PubMed 16905551 (cited by Labcorp Genetics (formerly Invitae), Labcorp); PubMed 19349279 (cited by Labcorp Genetics (formerly Invitae), Labcorp); PubMed 16571647 (cited by Labcorp Genetics (formerly Invitae), Labcorp); PubMed 17701892 (cited by Labcorp Genetics (formerly Invitae), Labcorp); PubMed 25652356 (cited by Labcorp Genetics (formerly Invitae), Labcorp); PubMed 34281902 (cited by Women's Health and Genetics/Laboratory Corporation of America, LabCorp).